The following is an entry in ClinVar:

NM_007103.4(NDUFV1):c.1353G>T (p.Gln451His)

Genes: NDUFV1 (NADH:ubiquinone oxidoreductase core subunit V1; plus strand), LOC126861242 (CDK7 strongly-dependent group 2 enhancer GRCh37_chr11:67379204-67380403; plus strand). Cytogenetic location: 11q13.2.
Variant type: single nucleotide variant.
Coding change: c.1353G>T on transcript NM_007103.4 (MANE Select); coding-DNA position 1353, G replaced by T.
Protein change: p.Gln451His; replaces glutamine 451 with histidine.
Molecular consequence: missense variant.
Genome position (GRCh38, 1-based): chr11:67,612,416, G>T. VCF-style: chr11-67612416-G-T. GRCh37 (hg19) VCF-style: chr11-67379887-G-T.
Other names: c.1326G>T, p.Gln442His (NM_001166102.2); short protein forms Q451H, Q442H.
Identifiers: ClinVar variation 305757 (VCV000305757.8), dbSNP rs768582587, ClinGen allele CA6143512.

ClinVar aggregate classification (germline): Uncertain significance. Review status: criteria provided, multiple submitters, no conflicts (2 of 4 stars). 5 submissions from 4 submitters: Uncertain significance (5). Last evaluated 2024-01-08.

Conditions:
Leigh syndrome (NULS). Also called: Leigh's syndrome; Leigh Disease; Subacute necrotizing encephalopathy; Necrotizing encephalopathy infantile subacute of Leigh; LEIGH SYNDROME, NUCLEAR; Leigh's necrotizing encephalopathy. Identifiers: Orphanet 506, MedGen C2931891, MONDO:0009723, OMIM 256000.
Mitochondrial complex I deficiency, nuclear type 1. Also called: NADH-COENZYME Q REDUCTASE DEFICIENCY; MITOCHONDRIAL NADH DEHYDROGENASE COMPONENT OF COMPLEX I, DEFICIENCY OF. Identifiers: MedGen C6022305, MONDO:0100224, OMIM 252010.
Inborn genetic diseases. Identifiers: MedGen C0950123, MeSH D030342.

Allele frequency attached by ClinVar (database versions not stated): ExAC 0.00004; TOPMed 0.00004; gnomAD exomes 0.00005; gnomAD 0.00010.
gnomAD v4.1: 79 of 1,612,532 alleles (0.0049%); highest among the groups gnomAD compares: Middle Eastern, 0.02%; no homozygotes.

Submissions (5):

Ambry Genetics
Classification: Uncertain significance for Inborn genetic diseases. Last evaluated: 2024-01-08. Review status: criteria provided, single submitter. Criteria: Ambry Variant Classification Scheme 2023. Collection method: clinical testing. Allele origin: germline.

GeneDx
Classification: Uncertain significance. Last evaluated: 2023-12-20. Review status: criteria provided, single submitter. Criteria: GeneDx Variant Classification Process June 2021. Collection method: clinical testing. Allele origin: germline. Affected: yes.
Comment: Not observed at significant frequency in large population cohorts (gnomAD); In silico analysis supports that this missense variant does not alter protein structure/function; Has not been previously published as pathogenic or benign to our knowledge

Labcorp Genetics (formerly Invitae), Labcorp
Classification: Uncertain significance. Last evaluated: 2022-07-20. Review status: criteria provided, single submitter. Criteria: Invitae Variant Classification Sherloc (09022015). Collection method: clinical testing. Allele origin: germline.
Comment: This sequence change replaces glutamine, which is neutral and polar, with histidine, which is basic and polar, at codon 451 of the NDUFV1 protein (p.Gln451His). This variant is present in population databases (rs768582587, gnomAD 0.01%). This variant has not been reported in the literature in individuals affected with NDUFV1-related conditions. ClinVar contains an entry for this variant (Variation ID: 305757). Advanced modeling of protein sequence and biophysical properties (such as structural, functional, and spatial information, amino acid conservation, physicochemical variation, residue mobility, and thermodynamic stability) performed at Invitae indicates that this missense variant is not expected to disrupt NDUFV1 protein function. In summary, the available evidence is currently insufficient to determine the role of this variant in disease. Therefore, it has been classified as a Variant of Uncertain Significance.

Illumina Laboratory Services, Illumina
Classification: Uncertain significance for Mitochondrial complex I deficiency, nuclear type 1. Last evaluated: 2018-01-13. Review status: criteria provided, single submitter. Criteria: ICSL Variant Classification Criteria 13 December 2019. Collection method: clinical testing. Allele origin: germline.

Illumina Laboratory Services, Illumina
Classification: Uncertain significance for Leigh syndrome. Last evaluated: 2018-01-13. Review status: criteria provided, single submitter. Criteria: ICSL Variant Classification Criteria 13 December 2019. Collection method: clinical testing. Allele origin: germline.